The following is an entry in ClinVar:

ClinVar aggregate classification (germline): Uncertain significance (1 of 4 stars; one submission).

Allele frequency attached by ClinVar (database versions not stated): gnomAD exomes below 0.00001.
gnomAD v4.1: 1 of 1,612,810 alleles (0.000062%); highest among the groups gnomAD compares: Non-Finnish European, 0.000085%; no homozygotes.

Submission:

GeneDx
Classification: Uncertain significance. Last evaluated: 2023-04-16. Review status: criteria provided, single submitter. Criteria: GeneDx Variant Classification Process June 2021. Collection method: clinical testing. Allele origin: germline. Affected: yes.
Comment: Not observed at significant frequency in large population cohorts (gnomAD); In silico analysis supports that this missense variant does not alter protein structure/function; Has not been previously published as pathogenic or benign to our knowledge

NM_001348716.2(KDM6B):c.2059G>A (p.Glu687Lys)

Gene: KDM6B (lysine demethylase 6B; plus strand). Cytogenetic location: 17p13.1.
Variant type: single nucleotide variant.
Coding change: c.2059G>A on transcript NM_001348716.2 (MANE Select); coding-DNA position 2059, G replaced by A.
Protein change: p.Glu687Lys; replaces glutamic acid 687 with lysine.
Molecular consequence: missense variant.
Genome position (GRCh38, 1-based): chr17:7,848,347, G>A. VCF-style: chr17-7848347-G-A. GRCh37 (hg19) VCF-style: chr17-7751665-G-A.
Other names: c.2059G>A, p.Glu687Lys (NM_001080424.2); short protein forms E687K.
Identifiers: ClinVar variation 2662093 (VCV002662093.1), dbSNP rs2544526375, ClinGen allele CA397918631.